The following is an entry in ClinVar:

NM_016519.6(AMBN):c.715C>T (p.Pro239Ser)

Gene: AMBN (ameloblastin; plus strand). Cytogenetic location: 4q13.3.
Variant type: single nucleotide variant.
Coding change: c.715C>T on transcript NM_016519.6 (MANE Select); coding-DNA position 715, C replaced by T.
Protein change: p.Pro239Ser; replaces proline 239 with serine.
Molecular consequence: missense variant.
Genome position (GRCh38, 1-based): chr4:70,603,422, C>T. VCF-style: chr4-70603422-C-T. GRCh37 (hg19) VCF-style: chr4-71469139-C-T.
Other names: short protein forms P239S.
Identifiers: ClinVar variation 1317439 (VCV001317439.2), dbSNP rs2109804254, ClinGen allele CA357138295.

ClinVar aggregate classification (germline): Uncertain significance (1 of 4 stars; one submission).

Submission:

GeneDx
Classification: Uncertain significance. Last evaluated: 2021-01-15. Review status: criteria provided, single submitter. Criteria: GeneDx Variant Classification Process June 2021. Collection method: clinical testing. Allele origin: germline. Affected: yes.
Comment: Not observed in large population cohorts (Lek et al., 2016); In silico analysis supports that this missense variant has a deleterious effect on protein structure/function; Has not been previously published as pathogenic or benign to our knowledge